The following is an entry in ClinVar:

ClinVar aggregate classification (germline): Uncertain significance (1 of 4 stars; one submission).

Conditions:
Baller-Gerold syndrome (BGS). Also called: CRANIOSYNOSTOSIS WITH RADIAL DEFECTS. Identifiers: Orphanet 1225, MedGen C0265308, MONDO:0009039, OMIM 218600.

Submission:

Labcorp Genetics (formerly Invitae), Labcorp
Classification: Uncertain significance for Baller-Gerold syndrome. Last evaluated: 2023-03-31. Review status: criteria provided, single submitter. Criteria: Invitae Variant Classification Sherloc (09022015). Collection method: clinical testing. Allele origin: germline.
Comment: In summary, the available evidence is currently insufficient to determine the role of this variant in disease. Therefore, it has been classified as a Variant of Uncertain Significance. Advanced modeling of protein sequence and biophysical properties (such as structural, functional, and spatial information, amino acid conservation, physicochemical variation, residue mobility, and thermodynamic stability) performed at Invitae indicates that this missense variant is not expected to disrupt RECQL4 protein function. ClinVar contains an entry for this variant (Variation ID: 2050045). This variant has not been reported in the literature in individuals affected with RECQL4-related conditions. This variant is not present in population databases (gnomAD no frequency). This sequence change replaces proline, which is neutral and non-polar, with leucine, which is neutral and non-polar, at codon 140 of the RECQL4 protein (p.Pro140Leu).

NM_004260.4(RECQL4):c.419C>T (p.Pro140Leu)

Gene: RECQL4 (RecQ like helicase 4; minus strand). Cytogenetic location: 8q24.3.
Variant type: single nucleotide variant.
Coding change: c.419C>T on transcript NM_004260.4 (MANE Select); coding-DNA position 419, C replaced by T.
Protein change: p.Pro140Leu; replaces proline 140 with leucine.
Molecular consequence: missense variant.
Genome position (GRCh38, 1-based): chr8:144,516,700, G>A on the plus strand (C>T on the coding strand, the complement: RECQL4 is on the minus strand). VCF-style: chr8-144516700-G-A. GRCh37 (hg19) VCF-style: chr8-145742084-G-A.
Other names: c.419C>T, p.Pro140Leu (NM_001413017.1, NM_001413018.1, NM_001413019.1 and 4 more transcripts); c.-653C>T (NM_001413022.1, NM_001413023.1, NM_001413037.1 and 3 more transcripts); c.290C>T, p.Pro97Leu (NM_001413025.1); c.-715C>T (NM_001413027.1, NM_001413030.1, NM_001413031.1 and 1 more transcripts); c.-378C>T (NM_001413028.1); c.-557C>T (NM_001413034.1); c.-922C>T (NM_001413043.1); short protein forms P97L, P140L.
Identifiers: ClinVar variation 2050045 (VCV002050045.4), dbSNP rs2538100946, ClinGen allele CA372691555.